The following is an entry in ClinVar:

NM_000246.4(CIITA):c.3052G>A (p.Glu1018Lys)

Gene: CIITA (class II major histocompatibility complex transactivator; plus strand). Cytogenetic location: 16p13.13.
Variant type: single nucleotide variant.
Coding change: c.3052G>A on transcript NM_000246.4 (MANE Select); coding-DNA position 3052, G replaced by A.
Protein change: p.Glu1018Lys; replaces glutamic acid 1018 with lysine.
Molecular consequence: missense variant. On other transcripts: non-coding transcript variant (1).
Genome position (GRCh38, 1-based): chr16:10,916,449, G>A. VCF-style: chr16-10916449-G-A. GRCh37 (hg19) VCF-style: chr16-11010306-G-A.
Other names: c.3055G>A, p.Glu1019Lys (NM_001286402.1, NM_001379332.1); c.1300G>A, p.Glu434Lys (NM_001286403.2); c.2908G>A, p.Glu970Lys (NM_001379330.1); c.2905G>A, p.Glu969Lys (NM_001379331.1); c.3052G>A, p.Glu1018Lys (NM_001379333.1); c.2983G>A, p.Glu995Lys (NM_001379334.1); short protein forms E1018K, E1019K, E434K, E969K, E970K, E995K.
Identifiers: ClinVar variation 885507 (VCV000885507.14), dbSNP rs747047617, ClinGen allele CA7900634.

ClinVar aggregate classification (germline): Uncertain significance. Review status: criteria provided, multiple submitters, no conflicts (2 of 4 stars). 5 submissions from 5 submitters: Uncertain significance (4). 1 of the submissions does not count toward it. Last evaluated 2026-01-22.

Conditions:
Inborn genetic diseases. Identifiers: MedGen C0950123, MeSH D030342.
MHC class II deficiency. Also called: Bare lymphocyte syndrome 2; BLS, TYPE II. Identifiers: Orphanet 572, MedGen C5447452, MONDO:0008855.

Allele frequency attached by ClinVar (database versions not stated): gnomAD 0.00004 and 0.00003; TOPMed 0.00005; ExAC 0.00006; gnomAD exomes 0.00006.
gnomAD v4.1: 106 of 1,611,954 alleles (0.0066%); highest among the groups gnomAD compares: Admixed American, 0.018%; no homozygotes.

Submissions (5):

Labcorp Genetics (formerly Invitae), Labcorp
Classification: Uncertain significance for MHC class II deficiency. Last evaluated: 2026-01-22. Review status: criteria provided, single submitter. Criteria: Invitae Variant Classification Sherloc (09022015). Collection method: clinical testing. Allele origin: germline.
Comment: This sequence change replaces glutamic acid, which is acidic and polar, with lysine, which is basic and polar, at codon 1018 of the CIITA protein (p.Glu1018Lys). This variant is present in population databases (rs747047617, gnomAD 0.02%). This variant has not been reported in the literature in individuals affected with CIITA-related conditions. ClinVar contains an entry for this variant (Variation ID: 885507). An algorithm developed to predict the effect of missense changes on protein structure and function (PolyPhen-2) suggests that this variant is likely to be disruptive. In summary, the available evidence is currently insufficient to determine the role of this variant in disease. Therefore, it has been classified as a Variant of Uncertain Significance.

Ambry Genetics
Classification: Uncertain significance for Inborn genetic diseases. Last evaluated: 2025-05-19. Review status: criteria provided, single submitter. Criteria: Ambry Variant Classification Scheme 2023. Collection method: clinical testing. Allele origin: germline.

Blueprint Genetics
Classification: Uncertain significance. Last evaluated: 2024-03-22. Review status: criteria provided, single submitter. Criteria: ACMG Guidelines, 2015. Collection method: clinical testing. Allele origin: germline.

Illumina Laboratory Services, Illumina
Classification: Uncertain significance for MHC class II deficiency 1. Last evaluated: 2017-04-27. Review status: criteria provided, single submitter. Criteria: ICSL Variant Classification Criteria 13 December 2019. Collection method: clinical testing. Allele origin: germline.

Natera, Inc.
Classification: Uncertain significance for Bare lymphocyte syndrome type II. Last evaluated: 2020-01-24. Review status: no assertion criteria provided. Collection method: clinical testing. Allele origin: germline. Not counted in ClinVar's aggregate classification.